The following is an entry in ClinVar:

ClinVar aggregate classification (germline): Uncertain significance. Review status: criteria provided, multiple submitters, no conflicts (2 of 4 stars). 2 submissions from 2 submitters: Uncertain significance (2). Last evaluated 2025-07-07.

Conditions:
Exostoses, multiple, type 2 (EXT2). Also called: Hereditary Multiple Osteochondromatosis, Type II; EXOSTOSES, MULTIPLE, TYPE II. Identifiers: Orphanet 321, MedGen C1851413, MONDO:0007586, OMIM 133701.

Allele frequency attached by ClinVar (database versions not stated): ExAC 0.00004; gnomAD 0.00005; gnomAD exomes 0.00005 and 0.00007.
gnomAD v4.1: 79 of 1,613,966 alleles (0.0049%); highest among the groups gnomAD compares: Middle Eastern, 0.016%; no homozygotes.

Submissions (2):

Labcorp Genetics (formerly Invitae), Labcorp
Classification: Uncertain significance for Exostoses, multiple, type 2. Last evaluated: 2025-07-07. Review status: criteria provided, single submitter. Criteria: Invitae Variant Classification Sherloc (09022015). Collection method: clinical testing. Allele origin: germline.
Comment: This sequence change replaces arginine, which is basic and polar, with tryptophan, which is neutral and slightly polar, at codon 149 of the EXT2 protein (p.Arg149Trp). This variant is present in population databases (rs757297287, gnomAD 0.05%). This variant has not been reported in the literature in individuals affected with EXT2-related conditions. ClinVar contains an entry for this variant (Variation ID: 1368875). Invitae Evidence Modeling of protein sequence and biophysical properties (such as structural, functional, and spatial information, amino acid conservation, physicochemical variation, residue mobility, and thermodynamic stability) has been performed for this missense variant. However, the output from this modeling did not meet the statistical confidence thresholds required to predict the impact of this variant on EXT2 protein function. In summary, the available evidence is currently insufficient to determine the role of this variant in disease. Therefore, it has been classified as a Variant of Uncertain Significance.

St. Jude Molecular Pathology, St. Jude Children's Research Hospital
Classification: Uncertain significance for Exostoses, multiple, type 2. Last evaluated: 2025-02-05. Review status: criteria provided, single submitter. Criteria: St. Jude Assertion Criteria 2020. Collection method: clinical testing. Allele origin: germline.
Comment: The EXT2 c.544C>T (p.Arg182Trp) missense change has a maximum subpopulation frequency of 0.009% in gnomAD v2.1.1. The in silico tool REVEL predicts a deleterious effect on protein function, but to our knowledge this prediction has not been confirmed by functional studies. To our knowledge, this variant has not been reported in individuals with hereditary multiple exostoses. In summary, the evidence currently available is insufficient to determine the clinical significance of this variant. It has therefore been classified as of uncertain significance.

NM_207122.2(EXT2):c.445C>T (p.Arg149Trp)

Gene: EXT2 (exostosin glycosyltransferase 2; plus strand). Cytogenetic location: 11p11.2.
Variant type: single nucleotide variant.
Coding change: c.445C>T on transcript NM_207122.2 (MANE Select); coding-DNA position 445, C replaced by T.
Protein change: p.Arg149Trp; replaces arginine 149 with tryptophan.
Molecular consequence: missense variant.
Genome position (GRCh38, 1-based): chr11:44,108,157, C>T. VCF-style: chr11-44108157-C-T. GRCh37 (hg19) VCF-style: chr11-44129707-C-T.
Other names: c.544C>T, p.Arg182Trp (NM_000401.3); c.445C>T, p.Arg149Trp (NM_001178083.3, NM_001389628.1, NM_001389630.1); short protein forms R149W, R182W.
Identifiers: ClinVar variation 1368875 (VCV001368875.9), dbSNP rs757297287, ClinGen allele CA5954889.